The following is an entry in ClinVar:

NM_001128840.3(CACNA1D):c.2332G>A (p.Ala778Thr)

Gene: CACNA1D (calcium voltage-gated channel subunit alpha1 D; plus strand). Cytogenetic location: 3p21.1.
Variant type: single nucleotide variant.
Coding change: c.2332G>A on transcript NM_001128840.3 (MANE Select); coding-DNA position 2332, G replaced by A.
Protein change: p.Ala778Thr; replaces alanine 778 with threonine.
Molecular consequence: missense variant.
Genome position (GRCh38, 1-based): chr3:53,730,552, G>A. VCF-style: chr3-53730552-G-A. GRCh37 (hg19) VCF-style: chr3-53764579-G-A.
Other names: c.2392G>A, p.Ala798Thr (NM_000720.4); c.2332G>A, p.Ala778Thr (NM_001128839.3); short protein forms A778T, A798T.
Identifiers: ClinVar variation 1964038 (VCV001964038.5), dbSNP rs2473768808, ClinGen allele CA353240630.

ClinVar aggregate classification (germline): Uncertain significance (1 of 4 stars; one submission).

Allele frequency attached by ClinVar (database versions not stated): gnomAD exomes below 0.00001.

Submission:

Labcorp Genetics (formerly Invitae), Labcorp
Classification: Uncertain significance. Last evaluated: 2022-05-18. Review status: criteria provided, single submitter. Criteria: Invitae Variant Classification Sherloc (09022015). Collection method: clinical testing. Allele origin: germline.
Comment: In summary, the available evidence is currently insufficient to determine the role of this variant in disease. Therefore, it has been classified as a Variant of Uncertain Significance. Algorithms developed to predict the effect of missense changes on protein structure and function are either unavailable or do not agree on the potential impact of this missense change (SIFT: "Deleterious"; PolyPhen-2: "Benign"; Align-GVGD: "Class C0"). This variant has not been reported in the literature in individuals affected with CACNA1D-related conditions. This variant is not present in population databases (gnomAD no frequency). This sequence change replaces alanine, which is neutral and non-polar, with threonine, which is neutral and polar, at codon 798 of the CACNA1D protein (p.Ala798Thr).